The following is an entry in ClinVar:

ClinVar aggregate classification (germline): Uncertain significance. Review status: criteria provided, multiple submitters, no conflicts (2 of 4 stars). 2 submissions from 2 submitters: Uncertain significance (2). Last evaluated 2026-08-19.

Conditions:
Hereditary cancer-predisposing syndrome. Also called: Tumor predisposition; Hereditary Cancer Syndrome; Hereditary neoplastic syndrome; Neoplastic Syndromes, Hereditary. Identifiers: Orphanet 140162, MedGen C0027672, MeSH D009386, MONDO:0015356.

Submissions (2):

Ambry Genetics
Classification: Uncertain significance for Hereditary cancer-predisposing syndrome. Last evaluated: 2026-08-19. Review status: criteria provided, single submitter. Criteria: Ambry Variant Classification Scheme 2023. Collection method: clinical testing. Allele origin: germline.
Comment: The c.769delG variant, located in coding exon 2 of the HOXB13 gene, results from a deletion of one nucleotide at nucleotide position 769, causing a translational frameshift with a predicted alternate stop codon (p.E257Sfs*22). This variant occurs at the 3' terminus of the gene and is not expected to trigger nonsense-mediated mRNA decay. Based on the available evidence, the clinical significance of this variant remains unclear.

Labcorp Genetics (formerly Invitae), Labcorp
Classification: Uncertain significance. Last evaluated: 2025-04-08. Review status: criteria provided, single submitter. Criteria: Invitae Variant Classification Sherloc (09022015). Collection method: clinical testing. Allele origin: germline.
Comment: This sequence change creates a premature translational stop signal (p.Glu257Serfs*22) in the HOXB13 gene. While this is not anticipated to result in nonsense mediated decay, it is expected to disrupt the last 28 amino acid(s) of the HOXB13 protein. This variant is present in population databases (rs770443137, gnomAD 0.006%). This variant has not been reported in the literature in individuals affected with HOXB13-related conditions. ClinVar contains an entry for this variant (Variation ID: 1003485). Experimental studies and prediction algorithms are not available or were not evaluated, and the functional significance of this variant is currently unknown. In summary, the available evidence is currently insufficient to determine the role of this variant in disease. Therefore, it has been classified as a Variant of Uncertain Significance.

NM_006361.6(HOXB13):c.769del (p.Glu257fs)

Gene: HOXB13 (homeobox B13; minus strand). Cytogenetic location: 17q21.32.
Variant type: Deletion.
Coding change: c.769del on transcript NM_006361.6 (MANE Select); coding-DNA position 769, one base deleted (G; older notation c.769delG).
Protein change: p.Glu257fs; shifts the reading frame from glutamic acid 257.
Molecular consequence: frameshift variant.
Genome position (GRCh38, 1-based): chr17:48,726,876, C deleted on the plus strand (G on the coding strand, the reverse complement: HOXB13 is on the minus strand); the first of 2 consecutive C bases (chr17:48,726,876-48,726,877); deleting either gives the same sequence. VCF-style (leftmost placement, unchanged base first): chr17-48726875-TC-T. GRCh37 (hg19) VCF-style: chr17-46804237-TC-T.
Other names: c.769delG (NM_006361.5); short protein forms E257fs.
Identifiers: ClinVar variation 1003485 (VCV001003485.9), dbSNP rs770443137, ClinGen allele CA8633913.